The following is an entry in ClinVar:

ClinVar aggregate classification (germline): Uncertain significance (1 of 4 stars; one submission).

Conditions:
Cardiovascular phenotype. Identifiers: MedGen CN230736.

Submission:

Ambry Genetics
Classification: Uncertain significance for Cardiovascular phenotype. Last evaluated: 2024-11-01. Review status: criteria provided, single submitter. Criteria: Ambry Variant Classification Scheme 2023. Collection method: clinical testing. Allele origin: germline.
Comment: The p.T3418A variant (also known as c.10252A>G), located in coding exon 26 of the APOB gene, results from an A to G substitution at nucleotide position 10252. The threonine at codon 3418 is replaced by alanine, an amino acid with similar properties. This amino acid position is conserved. In addition, this alteration is predicted to be tolerated by in silico analysis. Based on the available evidence, the clinical significance of this variant remains unclear.

NM_000384.3(APOB):c.10252A>G (p.Thr3418Ala)

Gene: APOB (apolipoprotein B; minus strand). Cytogenetic location: 2p24.1.
Variant type: single nucleotide variant.
Coding change: c.10252A>G on transcript NM_000384.3 (MANE Select); coding-DNA position 10252, A replaced by G.
Protein change: p.Thr3418Ala; replaces threonine 3418 with alanine.
Molecular consequence: missense variant.
Genome position (GRCh38, 1-based): chr2:21,006,616, T>C on the plus strand (A>G on the coding strand, the complement: APOB is on the minus strand). VCF-style: chr2-21006616-T-C. GRCh37 (hg19) VCF-style: chr2-21229488-T-C.
Other names: short protein forms T3418A.
Identifiers: ClinVar variation 3416306 (VCV003416306.1).